The following is an entry in ClinVar:

ClinVar aggregate classification (germline): Pathogenic. Review status: reviewed by expert panel (3 of 4 stars). 7 submissions from 7 submitters: Pathogenic (1). 6 of the submissions do not count toward it. Last evaluated 2017-12-08.

Conditions:
CFTR-related disorder (CFTR-RD). Also called: CFTR-related condition; CFTR-related disorders. Identifiers: MedGen C5924204, MONDO:7770004.
Cystic fibrosis (CF). Also called: MUCOVISCIDOSIS. Identifiers: Orphanet 586, MedGen C0010674, MONDO:0009061, OMIM 219700. Disease mechanism: loss of function.

Allele frequency attached by ClinVar (database versions not stated): gnomAD exomes 0.00001; ExAC 0.00002.

Submissions (7):

CFTR2
Classification: Pathogenic for Cystic fibrosis. Last evaluated: 2017-12-08. Review status: reviewed by expert panel. Criteria: Sosnay PR et al. (Nat Genet 2013). Collection method: research. Allele origin: germline. Affected: yes.

Natera, Inc.
Classification: Likely pathogenic for CFTR-related disorders. Last evaluated: 2025-06-23. Review status: criteria provided, single submitter. Criteria: Natera Variant Classification Schema (03/2026). Collection method: clinical testing. Allele origin: germline. Not counted in ClinVar's aggregate classification.
Comment: The c.296C>T variant in CFTR is a missense variant predicted to cause substitution of proline to leucine at amino acid 99. This variant is rare in the general population with a frequency below the threshold expected for the associated phenotype(s). This variant has been observed in one or more individuals affected with the associated recessive disease, as either homozygous or compound heterozygous with a second variant (PMID: 3088883, 11732487). Functional studies show that this variant may disrupt protein function (PMID: 30046002, 29805046). Computational prediction algorithms indicate this variant is likely to affect gene or protein function. Given the available evidence, this variant is classified as Likely Pathogenic.

Women's Health and Genetics/Laboratory Corporation of America, LabCorp
Classification: Pathogenic for Cystic fibrosis. Last evaluated: 2025-05-22. Review status: criteria provided, single submitter. Criteria: LabCorp Variant Classification Summary - May 2015. Collection method: clinical testing. Allele origin: germline. Not counted in ClinVar's aggregate classification.
Comment: Variant summary: CFTR c.296C>T (p.Pro99Leu) results in a non-conservative amino acid change in the encoded protein sequence. Algorithms developed to predict the effect of missense changes on protein structure and function all suggest that this variant is likely to be disruptive. The variant allele was found at a frequency of 8e-06 in 251082 control chromosomes (gnomAD). c.296C>T has been observed in multiple individuals affected with Cystic Fibrosis (e.g. Amaral_2001, Gilljam_2004, McCague_2019). These data indicate that the variant is very likely to be associated with disease. At least one publication reports experimental evidence evaluating an impact on protein function. The most pronounced variant effect resulted in approximately 3.9% of normal chloride channel conductance relative to wild type (e.g., Bihler_2024). The following publications have been ascertained in the context of this evaluation (PMID: 11732487, 14872121, 38388235, 30888834). ClinVar contains an entry for this variant (Variation ID: 53610). Based on the evidence outlined above, the variant was classified as pathogenic.

Labcorp Genetics (formerly Invitae), Labcorp
Classification: Likely pathogenic for Cystic fibrosis. Last evaluated: 2024-02-22. Review status: criteria provided, single submitter. Criteria: Invitae Variant Classification Sherloc (09022015). Collection method: clinical testing. Allele origin: germline. Not counted in ClinVar's aggregate classification.
Comment: This sequence change replaces proline, which is neutral and non-polar, with leucine, which is neutral and non-polar, at codon 99 of the CFTR protein (p.Pro99Leu). This variant is present in population databases (rs397508467, gnomAD 0.002%). This missense change has been observed in individuals with cystic fibrosis (PMID: 11732487, 14872121). ClinVar contains an entry for this variant (Variation ID: 53610). Advanced modeling of protein sequence and biophysical properties (such as structural, functional, and spatial information, amino acid conservation, physicochemical variation, residue mobility, and thermodynamic stability) performed at Invitae indicates that this missense variant is expected to disrupt CFTR protein function with a positive predictive value of 80%. Experimental studies have shown that this missense change affects CFTR function (PMID: 8663008, 29805046). In summary, the currently available evidence indicates that the variant is pathogenic, but additional data are needed to prove that conclusively. Therefore, this variant has been classified as Likely Pathogenic.

Genetics and Genomic Medicine Centre, NeuroGen Healthcare, NeuroGen Healthcare
Classification: Pathogenic for Cystic fibrosis. Last evaluated: 2021-05-29. Review status: criteria provided, single submitter. Criteria: Submitter's publication. Collection method: clinical testing. Allele origin: unknown. Affected: no. Not counted in ClinVar's aggregate classification.

CFTR-France
Classification: Pathogenic for cystic fibrosis; CFTR-related disorders. Last evaluated: 2018-03-09. Review status: criteria provided, single submitter. Criteria: Claustres M et al. (Hum Mutat 2017). Collection method: curation. Allele origin: germline. Affected: yes. Not counted in ClinVar's aggregate classification.
Comment: the variant causes a phenotype but regarding our data, we can't formally attribute it to CF, CFTR-RD or both

ClinVar Staff, National Center for Biotechnology Information (NCBI)
No classification provided. Condition: CFTR-related disorders. Review status: no classification provided. Collection method: literature only. Allele origin: germline. Affected: yes. Not counted in ClinVar's aggregate classification.

Literature cited by the submitters: PubMed 3088883 (cited by Natera, Inc.); PubMed 11732487 (cited by 3 submitters); PubMed 30046002 (cited by Natera, Inc.); PubMed 29805046 (cited by Natera, Inc. and Labcorp Genetics (formerly Invitae), Labcorp); PubMed 30888834 (cited by Women's Health and Genetics/Laboratory Corporation of America, LabCorp); PubMed 38388235 (cited by Women's Health and Genetics/Laboratory Corporation of America, LabCorp); PubMed 14872121 (cited by 3 submitters); PubMed 8663008 (cited by Labcorp Genetics (formerly Invitae), Labcorp and ClinVar Staff, National Center for Biotechnology Information (NCBI)).

NM_000492.4(CFTR):c.296C>T (p.Pro99Leu)

Gene: CFTR (CF transmembrane conductance regulator; plus strand). Cytogenetic location: 7q31.2.
Variant type: single nucleotide variant.
Coding change: c.296C>T on transcript NM_000492.4 (MANE Select); coding-DNA position 296, C replaced by T.
Protein change: p.Pro99Leu; replaces proline 99 with leucine.
Molecular consequence: missense variant.
Genome position (GRCh38, 1-based): chr7:117,530,921, C>T. VCF-style: chr7-117530921-C-T. GRCh37 (hg19) VCF-style: chr7-117170975-C-T.
Other names: short protein forms P99L.
Identifiers: ClinVar variation 53610 (VCV000053610.15), dbSNP rs397508467, ClinGen allele CA326991.